The following is an entry in ClinVar:

NM_001025603.2(RFX5):c.949G>C (p.Ala317Pro)

Gene: RFX5 (regulatory factor X5; minus strand). Cytogenetic location: 1q21.3.
Variant type: single nucleotide variant.
Coding change: c.949G>C on transcript NM_001025603.2 (MANE Select); coding-DNA position 949, G replaced by C.
Protein change: p.Ala317Pro; replaces alanine 317 with proline.
Molecular consequence: missense variant.
Genome position (GRCh38, 1-based): chr1:151,343,088, C>G on the plus strand (G>C on the coding strand, the complement: RFX5 is on the minus strand). VCF-style: chr1-151343088-C-G. GRCh37 (hg19) VCF-style: chr1-151315564-C-G.
Other names: c.949G>C, p.Ala317Pro (NM_000449.4, NM_001379412.1, NM_001379413.1 and 5 more transcripts); c.829G>C, p.Ala277Pro (NM_001379419.1, NM_001379420.1); short protein forms A277P, A317P.
Identifiers: ClinVar variation 2046432 (VCV002046432.4), dbSNP rs1650638294, ClinGen allele CA341931175.

ClinVar aggregate classification (germline): Uncertain significance (1 of 4 stars; one submission).

Conditions:
MHC class II deficiency. Also called: Bare lymphocyte syndrome 2; BLS, TYPE II. Identifiers: Orphanet 572, MedGen C5447452, MONDO:0008855.

Submission:

Labcorp Genetics (formerly Invitae), Labcorp
Classification: Uncertain significance for MHC class II deficiency. Last evaluated: 2022-08-10. Review status: criteria provided, single submitter. Criteria: Invitae Variant Classification Sherloc (09022015). Collection method: clinical testing. Allele origin: germline.
Comment: In summary, the available evidence is currently insufficient to determine the role of this variant in disease. Therefore, it has been classified as a Variant of Uncertain Significance. Algorithms developed to predict the effect of missense changes on protein structure and function (SIFT, PolyPhen-2, Align-GVGD) all suggest that this variant is likely to be tolerated. This variant has not been reported in the literature in individuals affected with RFX5-related conditions. This variant is not present in population databases (gnomAD no frequency). This sequence change replaces alanine, which is neutral and non-polar, with proline, which is neutral and non-polar, at codon 317 of the RFX5 protein (p.Ala317Pro).